The following is an entry in ClinVar:

NM_003579.4(RAD54L):c.1424T>C (p.Val475Ala)

Gene: RAD54L (RAD54 like; plus strand). Cytogenetic location: 1p34.1.
Variant type: single nucleotide variant.
Coding change: c.1424T>C on transcript NM_003579.4 (MANE Select); coding-DNA position 1424, T replaced by C.
Protein change: p.Val475Ala; replaces valine 475 with alanine.
Molecular consequence: missense variant.
Genome position (GRCh38, 1-based): chr1:46,273,403, T>C. VCF-style: chr1-46273403-T-C. GRCh37 (hg19) VCF-style: chr1-46739075-T-C.
Other names: c.1424T>C, p.Val475Ala (NM_001142548.2); c.884T>C, p.Val295Ala (NM_001370766.1); short protein forms V295A, V475A.
Identifiers: ClinVar variation 2620011 (VCV002620011.2), dbSNP rs2525711504, ClinGen allele CA340180765.

ClinVar aggregate classification (germline): Uncertain significance (1 of 4 stars; one submission).

Allele frequency attached by ClinVar (database versions not stated): gnomAD exomes below 0.00001.
gnomAD v4.1: 2 of 1,614,132 alleles (0.00012%); highest among the groups gnomAD compares: Non-Finnish European, 0.00017%; no homozygotes.

Submission:

Ambry Genetics
Classification: Uncertain significance. Last evaluated: 2023-06-17. Review status: criteria provided, single submitter. Criteria: Ambry Variant Classification Scheme 2023. Collection method: clinical testing. Allele origin: germline.
Comment: The p.V475A variant (also known as c.1424T>C), located in coding exon 13 of the RAD54L gene, results from a T to C substitution at nucleotide position 1424. The valine at codon 475 is replaced by alanine, an amino acid with similar properties. This amino acid position is conserved. In addition, this alteration is predicted to be tolerated by in silico analysis. Since supporting evidence is limited at this time, the clinical significance of this alteration remains unclear.